The following is an entry in ClinVar:

NM_001080421.3(UNC13A):c.4560C>T (p.Gly1520=)

Gene: UNC13A (unc-13 homolog A; minus strand). Cytogenetic location: 19p13.11.
Variant type: single nucleotide variant.
Coding change: c.4560C>T on transcript NM_001080421.3 (MANE Select); coding-DNA position 4560, C replaced by T.
Protein change: p.Gly1520=; no amino-acid change (glycine 1520 retained).
Molecular consequence: synonymous variant.
Genome position (GRCh38, 1-based): chr19:17,611,854, G>A on the plus strand (C>T on the coding strand, the complement: UNC13A is on the minus strand). VCF-style: chr19-17611854-G-A. GRCh37 (hg19) VCF-style: chr19-17722663-G-A.
Other names: NC_000019.9:g.17722663G>A; p.Gly1520=; c.4548C>T, p.Gly1516= (NM_001387021.1); c.4545C>T, p.Gly1515= (NM_001387022.1); c.4479C>T, p.Gly1493= (NM_001387023.1).
Identifiers: ClinVar variation 738249 (VCV000738249.9), dbSNP rs141334897, ClinGen allele CA9297607.
Genomic context (GRCh38, chr19:17,611,854, plus strand): 5'-TGGATGAGTGAACAGCTCAACATGGACAGAGACTTCACCCACAGGGTCTTCTACACCCAA[G>A]CCTGGGCAGGGCAGGGGAGGATGGTCAGCGTGAGCTCTGTTCTTTCCCACCCACCAGGAG-3'
Protein context (NP_001073890.2, residues 1510-1530): KTFVQTQSAQ[Gly1520=]LGVEDPVGEV

ClinVar aggregate classification (germline): Likely benign. Review status: criteria provided, multiple submitters, no conflicts (2 of 4 stars). 4 submissions from 4 submitters: Likely benign (3). 1 of the submissions does not count toward it. Last evaluated 2026-04-01.

Conditions:
UNC13A-related disorder. Also called: UNC13A-related condition.

Allele frequency attached by ClinVar (database versions not stated): 1000 Genomes Project 30x 0.00016; 1000 Genomes Project 0.00020; TOPMed 0.00038; ESP Exome Variant Server 0.00047; gnomAD exomes 0.00061 and 0.00079; gnomAD 0.00066; ExAC 0.00089.
gnomAD v4.1: 980 of 1,613,788 alleles (0.061%); highest among the groups gnomAD compares: South Asian, 0.13%; 3 homozygotes.

Submissions (5):

CeGaT Center for Human Genetics Tuebingen
Classification: Likely benign. Last evaluated: 2026-04-01. Review status: criteria provided, single submitter. Criteria: CeGaT Center For Human Genetics Tuebingen Variant Classification Criteria Version 2. Collection method: clinical testing. Allele origin: germline. Affected: yes. Observed: 1 variant allele.
Comment: UNC13A: BP4, BP7

Mayo Clinic Laboratories, Mayo Clinic
Classification: Likely benign. Last evaluated: 2025-08-20. Review status: criteria provided, single submitter. Criteria: ACMG Guidelines, 2015. Collection method: clinical testing. Allele origin: germline. Observed: 1 variant allele.
Comment: BP4, BP7

Labcorp Genetics (formerly Invitae), Labcorp
Classification: Likely benign. Last evaluated: 2018-05-03. Review status: criteria provided, single submitter. Criteria: Invitae Variant Classification Sherloc (09022015). Collection method: clinical testing. Allele origin: germline.

PreventionGenetics, part of Exact Sciences
Classification: Likely benign for UNC13A-related condition. Last evaluated: 2021-03-19. Review status: no assertion criteria provided. Collection method: clinical testing. Allele origin: germline. Not counted in ClinVar's aggregate classification.
Comment: This variant is classified as likely benign based on ACMG/AMP sequence variant interpretation guidelines (Richards et al. 2015 PMID: 25741868, with internal and published modifications).

Dr. Peter K. Rogan Lab, Western University
No classification provided (evidence only). Condition: Melanoma. Review status: no classification provided. Collection method: in vitro. Allele origin: not applicable. Functional consequence: retained intron. Not counted in ClinVar's aggregate classification.